The following is an entry in ClinVar:

ClinVar aggregate classification (germline): Conflicting classifications of pathogenicity. Review status: criteria provided, conflicting classifications (1 of 4 stars). 4 submissions from 4 submitters: Uncertain significance (3); Likely benign (1). Last evaluated 2025-03-06.

Conditions:
MPDZ-related disorder. Also called: MPDZ-related condition.

gnomAD v4.1: 188 of 1,612,076 alleles (0.012%); highest among the groups gnomAD compares: Middle Eastern, 0.016%; no homozygotes.

Submissions (4):

PreventionGenetics, part of Exact Sciences
Classification: Likely benign for MPDZ-related condition. Last evaluated: 2025-03-06. Review status: criteria provided, single submitter. Criteria: ACMG Guidelines, 2015. Collection method: clinical testing. Allele origin: germline.
Comment: This variant is classified as likely benign based on ACMG/AMP sequence variant interpretation guidelines (Richards et al. 2015 PMID: 25741868, with internal and published modifications).

Labcorp Genetics (formerly Invitae), Labcorp
Classification: Uncertain significance. Last evaluated: 2024-11-05. Review status: criteria provided, single submitter. Criteria: Invitae Variant Classification Sherloc (09022015). Collection method: clinical testing. Allele origin: germline.
Comment: This sequence change replaces valine, which is neutral and non-polar, with phenylalanine, which is neutral and non-polar, at codon 581 of the MPDZ protein (p.Val581Phe). This variant is present in population databases (rs199726781, gnomAD 0.2%). This variant has not been reported in the literature in individuals affected with MPDZ-related conditions. ClinVar contains an entry for this variant (Variation ID: 1434200). An algorithm developed to predict the effect of missense changes on protein structure and function (PolyPhen-2) suggests that this variant is likely to be disruptive. In summary, the available evidence is currently insufficient to determine the role of this variant in disease. Therefore, it has been classified as a Variant of Uncertain Significance.

GeneDx
Classification: Uncertain significance. Last evaluated: 2024-01-27. Review status: criteria provided, single submitter. Criteria: GeneDx Variant Classification Process June 2021. Collection method: clinical testing. Allele origin: germline. Affected: yes.
Comment: In silico analysis supports that this missense variant has a deleterious effect on protein structure/function

CeGaT Center for Human Genetics Tuebingen
Classification: Uncertain significance. Last evaluated: 2022-08-01. Review status: criteria provided, single submitter. Criteria: CeGaT Center For Human Genetics Tuebingen Variant Classification Criteria Version 2. Collection method: clinical testing. Allele origin: germline. Affected: yes. Observed: 1 variant allele.
Comment: MPDZ: PM2

NM_001378778.1(MPDZ):c.1741G>T (p.Val581Phe)

Gene: MPDZ (multiple PDZ domain crumbs cell polarity complex component; minus strand). Cytogenetic location: 9p23.
Variant type: single nucleotide variant.
Coding change: c.1741G>T on transcript NM_001378778.1 (MANE Select); coding-DNA position 1741, G replaced by T.
Protein change: p.Val581Phe; replaces valine 581 with phenylalanine.
Molecular consequence: missense variant.
Genome position (GRCh38, 1-based): chr9:13,193,229, C>A on the plus strand (G>T on the coding strand, the complement: MPDZ is on the minus strand). VCF-style: chr9-13193229-C-A. GRCh37 (hg19) VCF-style: chr9-13193228-C-A.
Other names: c.1741G>T (NM_003829.4); c.1741G>T, p.Val581Phe (NM_001261406.2, NM_001261407.2, NM_001330637.2 and 14 more transcripts); short protein forms V581F.
Identifiers: ClinVar variation 1434200 (VCV001434200.29), dbSNP rs199726781, ClinGen allele CA4987684.